The following is an entry in ClinVar:

ClinVar aggregate classification (germline): Conflicting classifications of pathogenicity. Review status: criteria provided, conflicting classifications (1 of 4 stars). 2 submissions from 2 submitters: Uncertain significance (1); Likely benign (1). Last evaluated 2026-02-02.

Conditions:
Cardiovascular phenotype. Identifiers: MedGen CN230736.
Arrhythmogenic right ventricular dysplasia 10. Also called: Arrhythmogenic Right Ventricular Dysplasia/Cardiomyopathy10; ARRHYTHMOGENIC RIGHT VENTRICULAR DYSPLASIA, FAMILIAL, 10; Arrhythmogenic right ventricular dysplasia/cardiomyopathy, type 10. Identifiers: MedGen C1857777, MONDO:0012434, OMIM 610193.

Allele frequency attached by ClinVar (database versions not stated): gnomAD exomes below 0.00001; TOPMed 0.00001.
gnomAD v4.1: 2 of 1,614,234 alleles (0.00012%); highest among the groups gnomAD compares: East Asian, 0.0022%; no homozygotes.

Submissions (2):

Ambry Genetics
Classification: Likely benign for Cardiovascular phenotype. Last evaluated: 2026-02-02. Review status: criteria provided, single submitter. Criteria: Ambry Variant Classification Scheme 2023. Collection method: clinical testing. Allele origin: germline.

Labcorp Genetics (formerly Invitae), Labcorp
Classification: Uncertain significance for Arrhythmogenic right ventricular dysplasia 10. Last evaluated: 2022-09-01. Review status: criteria provided, single submitter. Criteria: Invitae Variant Classification Sherloc (09022015). Collection method: clinical testing. Allele origin: germline.
Comment: This sequence change replaces threonine, which is neutral and polar, with alanine, which is neutral and non-polar, at codon 861 of the DSG2 protein (p.Thr861Ala). This variant is not present in population databases (gnomAD no frequency). This variant has not been reported in the literature in individuals affected with DSG2-related conditions. ClinVar contains an entry for this variant (Variation ID: 1473569). Algorithms developed to predict the effect of missense changes on protein structure and function output the following: SIFT: "Tolerated"; PolyPhen-2: "Benign"; Align-GVGD: "Class C0". The alanine amino acid residue is found in multiple mammalian species, which suggests that this missense change does not adversely affect protein function. In summary, the available evidence is currently insufficient to determine the role of this variant in disease. Therefore, it has been classified as a Variant of Uncertain Significance.

NM_001943.5(DSG2):c.2581A>G (p.Thr861Ala)

Genes: DSG2 (desmoglein 2; plus strand), DSG2-AS1 (DSG2 antisense RNA 1; minus strand). Cytogenetic location: 18q12.1.
Variant type: single nucleotide variant.
Coding change: c.2581A>G on transcript NM_001943.5 (MANE Select); coding-DNA position 2581, A replaced by G.
Protein change: p.Thr861Ala; replaces threonine 861 with alanine.
Molecular consequence: missense variant.
Genome position (GRCh38, 1-based): chr18:31,545,967, A>G. VCF-style: chr18-31545967-A-G. GRCh37 (hg19) VCF-style: chr18-29125930-A-G.
Other names: c.2581A>G (NM_001943.3); short protein forms T861A.
Identifiers: ClinVar variation 1473569 (VCV001473569.4), dbSNP rs1598826621, ClinGen allele CA402145261.